The following is an entry in ClinVar:

ClinVar aggregate classification (germline): Uncertain significance (1 of 4 stars; one submission).

Conditions:
Cowden syndrome 6 (CWS6). Identifiers: Orphanet 201, MedGen C3554519, MONDO:0014048, OMIM 615109.

Allele frequency attached by ClinVar (database versions not stated): gnomAD exomes below 0.00001; ExAC 0.00001.
gnomAD v4.1: 1 of 1,614,138 alleles (0.000062%); highest among the groups gnomAD compares: Admixed American, 0.0017%; no homozygotes.

Submission:

Labcorp Genetics (formerly Invitae), Labcorp
Classification: Uncertain significance for Cowden syndrome 6. Last evaluated: 2021-04-01. Review status: criteria provided, single submitter. Criteria: Invitae Variant Classification Sherloc (09022015). Collection method: clinical testing. Allele origin: germline.
Comment: This variant has not been reported in the literature in individuals with AKT1-related conditions. This variant is present in population databases (rs748789094, ExAC 0.009%). This sequence change replaces threonine with isoleucine at codon 172 of the AKT1 protein (p.Thr172Ile). The threonine residue is highly conserved and there is a moderate physicochemical difference between threonine and isoleucine. Algorithms developed to predict the effect of missense changes on protein structure and function are either unavailable or do not agree on the potential impact of this missense change (SIFT: "Deleterious"; PolyPhen-2: "Benign"; Align-GVGD: "Class C15"). In summary, the available evidence is currently insufficient to determine the role of this variant in disease. Therefore, it has been classified as a Variant of Uncertain Significance.

NM_001382430.1(AKT1):c.515C>T (p.Thr172Ile)

Gene: AKT1 (AKT serine/threonine kinase 1; minus strand). Cytogenetic location: 14q32.33.
Variant type: single nucleotide variant.
Coding change: c.515C>T on transcript NM_001382430.1 (MANE Select); coding-DNA position 515, C replaced by T.
Protein change: p.Thr172Ile; replaces threonine 172 with isoleucine.
Molecular consequence: missense variant.
Genome position (GRCh38, 1-based): chr14:104,775,128, G>A on the plus strand (C>T on the coding strand, the complement: AKT1 is on the minus strand). VCF-style: chr14-104775128-G-A. GRCh37 (hg19) VCF-style: chr14-105241465-G-A.
Other names: c.515C>T, p.Thr172Ile (NM_001014431.2, NM_001014432.2, NM_001382431.1 and 3 more transcripts); short protein forms T172I.
Identifiers: ClinVar variation 1520022 (VCV001520022.8), dbSNP rs748789094, ClinGen allele CA7374764.
Genomic context (GRCh38, chr14:104,775,128, plus strand): 5'-GGCCCCACCTTGGCCACGATGACTTCCTTCTTGAGGATCTTCATGGCGTAGTAGCGGCCT[G>A]TGGCCTTCTCCTTCACCAGGATCACCTTGCCGAAAGTGCCCTTGCCCAGCAGCTTCAGGT-3'
Protein context (NP_001369359.1, residues 162-182): GKVILVKEKA[Thr172Ile]GRYYAMKILK